The following is an entry in ClinVar:

ClinVar aggregate classification (germline): Pathogenic (1 of 4 stars; one submission).

Conditions:
Familial hypobetalipoproteinemia 1. Also called: APOB-Related Familial Hypobetalipoproteinemia; Hypobetalipoproteinemia, normotriglyceridemic; Acanthocytosis with hypobetalipoproteinemia. Identifiers: MedGen C4551990, MONDO:0014252, OMIM 615558.
Hypercholesterolemia, autosomal dominant, type B (FHCL2). Also called: Familial Hypercholesterolemia Type B; APOLIPOPROTEIN B-100, FAMILIAL DEFECTIVE; APOLIPOPROTEIN B-100, FAMILIAL LIGAND-DEFECTIVE; HYPERCHOLESTEROLEMIA, FAMILIAL, DUE TO LIGAND-DEFECTIVE APOLIPOPROTEIN B; APOB-Related Familial Hypercholesterolemia, Autosomal Dominant; Familial hypercholesterolemia 2. Identifiers: MedGen C1704417, MONDO:0007751, OMIM 144010.

Submission:

Labcorp Genetics (formerly Invitae), Labcorp
Classification: Pathogenic for Familial hypobetalipoproteinemia 1; Hypercholesterolemia, autosomal dominant, type B. Last evaluated: 2021-05-13. Review status: criteria provided, single submitter. Criteria: Invitae Variant Classification Sherloc (09022015). Collection method: clinical testing. Allele origin: germline.
Comment: For these reasons, this variant has been classified as Pathogenic. This variant has not been reported in the literature in individuals with APOB-related conditions. This variant is not present in population databases (ExAC no frequency). This sequence change creates a premature translational stop signal (p.Tyr993*) in the APOB gene. It is expected to result in an absent or disrupted protein product. Loss-of-function variants in APOB are known to be pathogenic (PMID: 20032471).

Literature cited by the submitters: PubMed 20032471.

NM_000384.3(APOB):c.2979T>A (p.Tyr993Ter)

Gene: APOB (apolipoprotein B; minus strand). Cytogenetic location: 2p24.1.
Variant type: single nucleotide variant.
Coding change: c.2979T>A on transcript NM_000384.3 (MANE Select); coding-DNA position 2979, T replaced by A.
Protein change: p.Tyr993Ter; replaces tyrosine 993 with a stop codon.
Molecular consequence: nonsense.
Genome position (GRCh38, 1-based): chr2:21,019,743, A>T on the plus strand (T>A on the coding strand, the complement: APOB is on the minus strand). VCF-style: chr2-21019743-A-T. GRCh37 (hg19) VCF-style: chr2-21242615-A-T.
Other names: short protein forms Y993*.
Identifiers: ClinVar variation 1369494 (VCV001369494.6), dbSNP rs776671066, ClinGen allele CA346010111.